The following is an entry in ClinVar:

ClinVar aggregate classification (germline): Uncertain significance (1 of 4 stars; one submission).

Submission:

Labcorp Genetics (formerly Invitae), Labcorp
Classification: Uncertain significance. Last evaluated: 2025-05-12. Review status: criteria provided, single submitter. Criteria: Invitae Variant Classification Sherloc (09022015). Collection method: clinical testing. Allele origin: germline.
Comment: This sequence change replaces arginine, which is basic and polar, with isoleucine, which is neutral and non-polar, at codon 937 of the MYO6 protein (p.Arg937Ile). This variant is not present in population databases (gnomAD no frequency). This variant has not been reported in the literature in individuals affected with MYO6-related conditions. ClinVar contains an entry for this variant (Variation ID: 1720178). Invitae Evidence Modeling of protein sequence and biophysical properties (such as structural, functional, and spatial information, amino acid conservation, physicochemical variation, residue mobility, and thermodynamic stability) indicates that this missense variant is not expected to disrupt MYO6 protein function with a negative predictive value of 80%. In summary, the available evidence is currently insufficient to determine the role of this variant in disease. Therefore, it has been classified as a Variant of Uncertain Significance.

NM_004999.4(MYO6):c.2810G>T (p.Arg937Ile)

Gene: MYO6 (myosin VI; plus strand). Cytogenetic location: 6q14.1.
Variant type: single nucleotide variant.
Coding change: c.2810G>T on transcript NM_004999.4 (MANE Select); coding-DNA position 2810, G replaced by T.
Protein change: p.Arg937Ile; replaces arginine 937 with isoleucine.
Molecular consequence: missense variant. On other transcripts: non-coding transcript variant (1).
Genome position (GRCh38, 1-based): chr6:75,890,208, G>T. VCF-style: chr6-75890208-G-T. GRCh37 (hg19) VCF-style: chr6-76599925-G-T.
Other names: c.2810G>T, p.Arg937Ile (NM_001300899.2, NM_001368136.1, NM_001368137.1 and 2 more transcripts); c.2795G>T, p.Arg932Ile (NM_001368138.1); short protein forms R932I, R937I.
Identifiers: ClinVar variation 1720178 (VCV001720178.5), dbSNP rs2535587553, ClinGen allele CA364777072.
Genomic context (GRCh38, chr6:75,890,208, plus strand): 5'-AACAGCAGGAAGAGGAAGCAGAAAGGCTGAGGCGTATTCAAGAAGAAATGGAAAAGGAAA[G>T]AAAAAGACGTGAAGAAGACGAAAAACGTCGAAGAAAGGAAGAGGAGGAAAGGCGGATGTG-3'
Protein context (NP_004990.3, residues 927-947): RRIQEEMEKE[Arg937Ile]KRREEDEKRR